The following is an entry in ClinVar:

ClinVar aggregate classification (germline): Benign/Likely benign. Review status: criteria provided, multiple submitters, no conflicts (2 of 4 stars). 6 submissions from 6 submitters: Benign (1); Likely benign (2). 3 of the submissions do not count toward it. Last evaluated 2026-02-01.

Conditions:
DGAT1-related disorder. Also called: DGAT1-related condition.

Allele frequency attached by ClinVar (database versions not stated): 1000 Genomes Project 0.00020; 1000 Genomes Project 30x 0.00031; ESP Exome Variant Server 0.00100; gnomAD exomes 0.00113 and 0.00171; TOPMed 0.00118; gnomAD 0.00132 and 0.00139; ExAC 0.00163.
gnomAD v4.1: 2,681 of 1,608,286 alleles (0.17%); highest among the groups gnomAD compares: Non-Finnish European, 0.19%; 5 homozygotes.

Submissions (6):

Labcorp Genetics (formerly Invitae), Labcorp
Classification: Benign. Last evaluated: 2026-02-01. Review status: criteria provided, single submitter. Criteria: Invitae Variant Classification Sherloc (09022015). Collection method: clinical testing. Allele origin: germline.

Blueprint Genetics
Classification: Likely benign. Last evaluated: 2024-11-25. Review status: criteria provided, single submitter. Criteria: ACMG Guidelines, 2015. Collection method: clinical testing. Allele origin: germline.

CeGaT Center for Human Genetics Tuebingen
Classification: Likely benign. Last evaluated: 2023-01-01. Review status: criteria provided, single submitter. Criteria: CeGaT Center For Human Genetics Tuebingen Variant Classification Criteria Version 2. Collection method: clinical testing. Allele origin: germline. Affected: yes. Observed: 1 variant allele.
Comment: DGAT1: BP4, BP7

PreventionGenetics, part of Exact Sciences
Classification: Likely benign for DGAT1-related condition. Last evaluated: 2019-03-04. Review status: no assertion criteria provided. Collection method: clinical testing. Allele origin: germline. Not counted in ClinVar's aggregate classification.
Comment: This variant is classified as likely benign based on ACMG/AMP sequence variant interpretation guidelines (Richards et al. 2015 PMID: 25741868, with internal and published modifications).

Clinical Genetics DNA and cytogenetics Diagnostics Lab, Erasmus MC, Erasmus Medical Center
Classification: Likely benign. Review status: no assertion criteria provided. Collection method: clinical testing. Allele origin: germline. Affected: yes. Study: VKGL Data-share Consensus. Not counted in ClinVar's aggregate classification.

Genome Diagnostics Laboratory, University Medical Center Utrecht
Classification: Likely benign. Review status: no assertion criteria provided. Collection method: clinical testing. Allele origin: germline. Affected: yes. Study: VKGL Data-share Consensus. Not counted in ClinVar's aggregate classification.

NM_012079.6(DGAT1):c.1407C>T (p.Val469=)

Gene: DGAT1 (diacylglycerol O-acyltransferase 1; minus strand). Cytogenetic location: 8q24.3.
Variant type: single nucleotide variant.
Coding change: c.1407C>T on transcript NM_012079.6 (MANE Select); coding-DNA position 1407, C replaced by T.
Protein change: p.Val469=; no amino-acid change (valine 469 retained).
Molecular consequence: synonymous variant.
Genome position (GRCh38, 1-based): chr8:144,316,614, G>A on the plus strand (C>T on the coding strand, the complement: DGAT1 is on the minus strand). VCF-style: chr8-144316614-G-A. GRCh37 (hg19) VCF-style: chr8-145540277-G-A.
Identifiers: ClinVar variation 722323 (VCV000722323.35), dbSNP rs17851331, ClinGen allele CA4936515.